The following is an entry in ClinVar:

ClinVar aggregate classification (germline): Uncertain significance (1 of 4 stars; one submission).

Conditions:
Early Myoclonic Encephalopathy. Identifiers: MedGen C0270855.

Allele frequency attached by ClinVar (database versions not stated): gnomAD exomes below 0.00001; ExAC 0.00001.
gnomAD v4.1: 1 of 1,613,592 alleles (0.000062%); highest among the groups gnomAD compares: Admixed American, 0.0017%; no homozygotes.

Submission:

Labcorp Genetics (formerly Invitae), Labcorp
Classification: Uncertain significance for Early Myoclonic Encephalopathy. Last evaluated: 2024-12-13. Review status: criteria provided, single submitter. Criteria: Invitae Variant Classification Sherloc (09022015). Collection method: clinical testing. Allele origin: germline.
Comment: This sequence change replaces threonine, which is neutral and polar, with alanine, which is neutral and non-polar, at codon 1556 of the JMJD1C protein (p.Thr1556Ala). This variant is present in population databases (rs765394804, gnomAD 0.003%). This variant has not been reported in the literature in individuals affected with JMJD1C-related conditions. ClinVar contains an entry for this variant (Variation ID: 946229). Invitae Evidence Modeling of protein sequence and biophysical properties (such as structural, functional, and spatial information, amino acid conservation, physicochemical variation, residue mobility, and thermodynamic stability) indicates that this missense variant is expected to disrupt JMJD1C protein function with a positive predictive value of 80%. In summary, the available evidence is currently insufficient to determine the role of this variant in disease. Therefore, it has been classified as a Variant of Uncertain Significance.

NM_032776.3(JMJD1C):c.4666A>G (p.Thr1556Ala)

Gene: JMJD1C (jumonji domain containing 1C; minus strand). Cytogenetic location: 10q21.3.
Variant type: single nucleotide variant.
Coding change: c.4666A>G on transcript NM_032776.3 (MANE Select); coding-DNA position 4666, A replaced by G.
Protein change: p.Thr1556Ala; replaces threonine 1556 with alanine.
Molecular consequence: missense variant. On other transcripts: non-coding transcript variant (1).
Genome position (GRCh38, 1-based): chr10:63,207,003, T>C on the plus strand (A>G on the coding strand, the complement: JMJD1C is on the minus strand). VCF-style: chr10-63207003-T-C. GRCh37 (hg19) VCF-style: chr10-64966763-T-C.
Other names: c.4120A>G, p.Thr1374Ala (NM_001282948.2, NM_001318154.2); c.3802A>G, p.Thr1268Ala (NM_001318153.2); c.4552A>G, p.Thr1518Ala (NM_001322252.2); c.4009A>G, p.Thr1337Ala (NM_001322254.2, NM_001322258.2); short protein forms T1337A, T1374A, T1556A, T1268A, T1518A.
Identifiers: ClinVar variation 946229 (VCV000946229.9), dbSNP rs765394804, ClinGen allele CA5518230.